The following is an entry in ClinVar:

ClinVar aggregate classification (germline): Uncertain significance (1 of 4 stars; one submission).

gnomAD v4.1: 7 of 1,613,912 alleles (0.00043%); highest among the groups gnomAD compares: Non-Finnish European, 0.00059%; no homozygotes.

Submission:

Labcorp Genetics (formerly Invitae), Labcorp
Classification: Uncertain significance. Last evaluated: 2021-05-18. Review status: criteria provided, single submitter. Criteria: Invitae Variant Classification Sherloc (09022015). Collection method: clinical testing. Allele origin: germline.
Comment: This sequence change replaces proline with alanine at codon 525 of the PPP2R5D protein (p.Pro525Ala). The proline residue is weakly conserved and there is a small physicochemical difference between proline and alanine. This variant is present in population databases (rs767996020, ExAC 0.006%). This variant has not been reported in the literature in individuals with PPP2R5D-related conditions. Algorithms developed to predict the effect of missense changes on protein structure and function (SIFT, PolyPhen-2, Align-GVGD) all suggest that this variant is likely to be tolerated, but these predictions have not been confirmed by published functional studies and their clinical significance is uncertain. In summary, the available evidence is currently insufficient to determine the role of this variant in disease. Therefore, it has been classified as a Variant of Uncertain Significance.

NM_006245.4(PPP2R5D):c.1573C>G (p.Pro525Ala)

Gene: PPP2R5D (protein phosphatase 2 regulatory subunit B'delta; plus strand). Cytogenetic location: 6p21.1.
Variant type: single nucleotide variant.
Coding change: c.1573C>G on transcript NM_006245.4 (MANE Select); coding-DNA position 1573, C replaced by G.
Protein change: p.Pro525Ala; replaces proline 525 with alanine.
Molecular consequence: missense variant.
Genome position (GRCh38, 1-based): chr6:43,010,899, C>G. VCF-style: chr6-43010899-C-G. GRCh37 (hg19) VCF-style: chr6-42978637-C-G.
Other names: c.1120C>G, p.Pro374Ala (NM_001270476.2); c.1477C>G, p.Pro493Ala (NM_180976.3); c.1255C>G, p.Pro419Ala (NM_180977.3); short protein forms P374A, P525A, P419A, P493A.
Identifiers: ClinVar variation 1501278 (VCV001501278.8), dbSNP rs767996020, ClinGen allele CA3812113.